The following is an entry in ClinVar:

NM_000540.3(RYR1):c.1123-156G>A

Gene: RYR1 (ryanodine receptor 1; plus strand). Cytogenetic location: 19q13.2.
Variant type: single nucleotide variant.
Coding change: c.1123-156G>A on transcript NM_000540.3 (MANE Select); 156 bases into the intron before coding-DNA position 1123, G replaced by A.
Molecular consequence: intron variant.
Genome position (GRCh38, 1-based): chr19:38,451,608, G>A. VCF-style: chr19-38451608-G-A. GRCh37 (hg19) VCF-style: chr19-38942248-G-A.
Other names: c.1123-156G>A (NM_001042723.2).
Identifiers: ClinVar variation 669162 (VCV000669162.1), dbSNP rs3745844, ClinGen allele CA14642185.

ClinVar aggregate classification (germline): Benign (1 of 4 stars; one submission).

Allele frequency attached by ClinVar (database versions not stated): gnomAD 0.18880 and 0.19479; TOPMed 0.18929; 1000 Genomes Project 30x 0.23641; 1000 Genomes Project 0.24161.
gnomAD v4.1: 29,545 of 152,006 alleles (19%); highest among the groups gnomAD compares: East Asian, 34%; 3,064 homozygotes.

Submission:

GeneDx
Classification: Benign. Last evaluated: 2018-06-14. Review status: criteria provided, single submitter. Criteria: GeneDx Variant Classification (06012015). Collection method: clinical testing. Allele origin: germline. Affected: yes.
Comment: This variant is considered likely benign or benign based on one or more of the following criteria: it is a conservative change, it occurs at a poorly conserved position in the protein, it is predicted to be benign by multiple in silico algorithms, and/or has population frequency not consistent with disease.